The following is an entry in ClinVar:

ClinVar aggregate classification (germline): Conflicting classifications of pathogenicity. Review status: criteria provided, conflicting classifications (1 of 4 stars). 2 submissions from 2 submitters: Likely pathogenic (1); Uncertain significance (1). Last evaluated 2025-07-18.

Conditions:
Hereditary cancer-predisposing syndrome. Also called: Neoplastic Syndromes, Hereditary; Tumor predisposition; Hereditary Cancer Syndrome; Hereditary neoplastic syndrome. Identifiers: Orphanet 140162, MedGen C0027672, MeSH D009386, MONDO:0015356.
Cardiovascular phenotype. Identifiers: MedGen CN230736.

Submissions (2):

Labcorp Genetics (formerly Invitae), Labcorp
Classification: Uncertain significance. Last evaluated: 2025-07-18. Review status: criteria provided, single submitter. Criteria: Invitae Variant Classification Sherloc (09022015). Collection method: clinical testing. Allele origin: germline.
Comment: This sequence change falls in intron 4 of the LZTR1 gene. It does not directly change the encoded amino acid sequence of the LZTR1 protein. It affects a nucleotide within the consensus splice site. This variant is not present in population databases (gnomAD no frequency). This variant has not been reported in the literature in individuals affected with LZTR1-related conditions. ClinVar contains an entry for this variant (Variation ID: 1736926). Variants that disrupt the consensus splice site are a relatively common cause of aberrant splicing (PMID: 17576681, 9536098). Algorithms developed to predict the effect of sequence changes on RNA splicing suggest that this variant may disrupt the consensus splice site. In summary, the available evidence is currently insufficient to determine the role of this variant in disease. Therefore, it has been classified as a Variant of Uncertain Significance.

Ambry Genetics
Classification: Likely pathogenic for Cardiovascular phenotype; Hereditary cancer-predisposing syndrome. Last evaluated: 2023-08-04. Review status: criteria provided, single submitter. Criteria: Ambry Variant Classification Scheme 2023. Collection method: clinical testing. Allele origin: germline.
Comment: The c.400+5G>A intronic variant results from a G to A substitution 5 nucleotides after coding exon 4 in the LZTR1 gene. RNA studies have demonstrated that this alteration results in abnormal splicing in the set of samples tested (Ambry internal data). This nucleotide position is highly conserved in available vertebrate species. In silico splice site analysis predicts that this alteration may weaken the native splice donor site. This variant is considered to be rare based on population cohorts in the Genome Aggregation Database (gnomAD). Loss-of-function variants in LZTR1 are related to an increased risk for schwannomas and autosomal recessive Noonan syndrome; however, such associations with autosomal dominant Noonan syndrome have not been observed (Piotrowski A et al. Nat Genet. 2014 Feb;46:182-7; Yamamoto GL et al. J Med Genet. 2015 Jun;52:413-21; Johnston JJ et al. Genet Med. 2018 10;20:1175-1185). Based on the supporting evidence, this variant is likely pathogenic for an increased risk of LZTR1-related schwannomatosis (SWN) and would be expected to cause autosomal recessive Noonan syndrome when present along with a second pathogenic or likely pathogenic variant on the other allele; however, the association of this alteration with autosomal dominant Noonan syndrome is unlikely.

Literature cited by the submitters: PubMed 17576681 (cited by Labcorp Genetics (formerly Invitae), Labcorp); PubMed 9536098 (cited by Labcorp Genetics (formerly Invitae), Labcorp).

NM_006767.4(LZTR1):c.400+5G>A

Gene: LZTR1 (leucine zipper like post translational regulator 1; plus strand). Cytogenetic location: 22q11.21.
Variant type: single nucleotide variant.
Coding change: c.400+5G>A on transcript NM_006767.4 (MANE Select); 5 bases into the intron after coding-DNA position 400, G replaced by A.
Molecular consequence: intron variant.
Genome position (GRCh38, 1-based): chr22:20,987,588, G>A. VCF-style: chr22-20987588-G-A. GRCh37 (hg19) VCF-style: chr22-21341877-G-A.
Identifiers: ClinVar variation 1736926 (VCV001736926.3), dbSNP rs1924441805, ClinGen allele CA2577655760.